The following is an entry in ClinVar:

ClinVar aggregate classification (germline): Uncertain significance. Review status: criteria provided, multiple submitters, no conflicts (2 of 4 stars). 2 submissions from 2 submitters: Uncertain significance (2). Last evaluated 2025-10-15.

Conditions:
Inborn genetic diseases. Identifiers: MedGen C0950123, MeSH D030342.

Allele frequency attached by ClinVar (database versions not stated): gnomAD 0.00001; TOPMed below 0.00001.
gnomAD v4.1: 28 of 1,613,920 alleles (0.0017%); highest among the groups gnomAD compares: South Asian, 0.011%; no homozygotes.

Submissions (2):

Ambry Genetics
Classification: Uncertain significance for Inborn genetic diseases. Last evaluated: 2025-10-15. Review status: criteria provided, single submitter. Criteria: Ambry Variant Classification Scheme 2023. Collection method: clinical testing. Allele origin: germline.

Labcorp Genetics (formerly Invitae), Labcorp
Classification: Uncertain significance. Last evaluated: 2022-04-30. Review status: criteria provided, single submitter. Criteria: Invitae Variant Classification Sherloc (09022015). Collection method: clinical testing. Allele origin: germline.
Comment: This sequence change replaces asparagine, which is neutral and polar, with serine, which is neutral and polar, at codon 3340 of the FAT4 protein (p.Asn3340Ser). This variant is present in population databases (rs780426651, gnomAD 0.01%). This variant has not been reported in the literature in individuals affected with FAT4-related conditions. Advanced modeling of protein sequence and biophysical properties (such as structural, functional, and spatial information, amino acid conservation, physicochemical variation, residue mobility, and thermodynamic stability) performed at Invitae indicates that this missense variant is not expected to disrupt FAT4 protein function. In summary, the available evidence is currently insufficient to determine the role of this variant in disease. Therefore, it has been classified as a Variant of Uncertain Significance.

NM_001291303.3(FAT4):c.10025A>G (p.Asn3342Ser)

Gene: FAT4 (FAT atypical cadherin 4; plus strand). Cytogenetic location: 4q28.1.
Variant type: single nucleotide variant.
Coding change: c.10025A>G on transcript NM_001291303.3 (MANE Select); coding-DNA position 10025, A replaced by G.
Protein change: p.Asn3342Ser; replaces asparagine 3342 with serine.
Molecular consequence: missense variant.
Genome position (GRCh38, 1-based): chr4:125,451,035, A>G. VCF-style: chr4-125451035-A-G. GRCh37 (hg19) VCF-style: chr4-126372190-A-G.
Other names: c.10019A>G (NM_024582.4); c.10025A>G, p.Asn3342Ser (NM_001291285.3); c.10019A>G, p.Asn3340Ser (NM_024582.6); short protein forms N3340S, N3342S.
Identifiers: ClinVar variation 2414570 (VCV002414570.5), dbSNP rs780426651, ClinGen allele CA3073620.